The following is an entry in ClinVar:

NM_001394998.1(TANC2):c.3589+5G>T

Genes: TANC2 (tetratricopeptide repeat, ankyrin repeat and coiled-coil containing 2; plus strand), LOC105371856 (uncharacterized LOC105371856; minus strand). Cytogenetic location: 17q23.3.
Variant type: single nucleotide variant.
Coding change: c.3589+5G>T on transcript NM_001394998.1 (MANE Select); 5 bases into the intron after coding-DNA position 3589, G replaced by T.
Molecular consequence: intron variant.
Genome position (GRCh38, 1-based): chr17:63,406,282, G>T. VCF-style: chr17-63406282-G-T. GRCh37 (hg19) VCF-style: chr17-61483643-G-T.
Other names: c.3367+5G>T (NM_001411076.1, NM_025185.4).
Identifiers: ClinVar variation 4538763 (VCV004538763.1).

ClinVar aggregate classification (germline): Uncertain significance (1 of 4 stars; one submission).

Submission:

GeneDx
Classification: Uncertain significance. Last evaluated: 2025-06-17. Review status: criteria provided, single submitter. Criteria: GeneDx Variant Classification Process June 2021. Collection method: clinical testing. Allele origin: germline. Affected: yes.
Comment: Not observed at significant frequency in large population cohorts (gnomAD); Has not been previously published as pathogenic or benign to our knowledge; In silico analysis is inconclusive as to whether the variant alters gene splicing. In the absence of RNA/functional studies, the actual effect of this sequence change is unknown.